The following is an entry in ClinVar:

ClinVar aggregate classification (germline): Uncertain significance. Review status: criteria provided, multiple submitters, no conflicts (2 of 4 stars). 2 submissions from 2 submitters: Uncertain significance (2). Last evaluated 2022-11-06.

Allele frequency attached by ClinVar (database versions not stated): gnomAD exomes below 0.00001 and 0.00001; TOPMed 0.00001.
gnomAD v4.1: 2 of 1,211,799 alleles (0.00017%); highest among the groups gnomAD compares: Non-Finnish European, 0.00022%; no homozygotes.

Submissions (2):

Labcorp Genetics (formerly Invitae), Labcorp
Classification: Uncertain significance. Last evaluated: 2022-11-06. Review status: criteria provided, single submitter. Criteria: Invitae Variant Classification Sherloc (09022015). Collection method: clinical testing. Allele origin: germline.
Comment: In summary, the available evidence is currently insufficient to determine the role of this variant in disease. Therefore, it has been classified as a Variant of Uncertain Significance. Advanced modeling of protein sequence and biophysical properties (such as structural, functional, and spatial information, amino acid conservation, physicochemical variation, residue mobility, and thermodynamic stability) performed at Invitae indicates that this missense variant is not expected to disrupt CLCN4 protein function. ClinVar contains an entry for this variant (Variation ID: 1300792). This missense change has been observed in individual(s) with clinical features of CLCN4-related conditions (Invitae). This variant is present in population databases (no rsID available, gnomAD 0.001%). This sequence change replaces valine, which is neutral and non-polar, with methionine, which is neutral and non-polar, at codon 487 of the CLCN4 protein (p.Val487Met).

GeneDx
Classification: Uncertain significance. Last evaluated: 2021-10-04. Review status: criteria provided, single submitter. Criteria: GeneDx Variant Classification Process June 2021. Collection method: clinical testing. Allele origin: germline. Affected: yes.
Comment: In silico analysis supports that this missense variant does not alter protein structure/function; Has not been previously published as pathogenic or benign to our knowledge

NM_001830.4(CLCN4):c.1459G>A (p.Val487Met)

Gene: CLCN4 (chloride voltage-gated channel 4; plus strand). Cytogenetic location: Xp22.2.
Variant type: single nucleotide variant.
Coding change: c.1459G>A on transcript NM_001830.4 (MANE Select); coding-DNA position 1459, G replaced by A.
Protein change: p.Val487Met; replaces valine 487 with methionine.
Molecular consequence: missense variant.
Genome position (GRCh38, 1-based): chrX:10,212,536, G>A. VCF-style: chrX-10212536-G-A. GRCh37 (hg19) VCF-style: chrX-10180576-G-A.
Other names: c.1177G>A, p.Val393Met (NM_001256944.2); short protein forms V393M, V487M.
Identifiers: ClinVar variation 1300792 (VCV001300792.8), dbSNP rs1209518513, ClinGen allele CA412040823.